The following is an entry in ClinVar:

ClinVar aggregate classification (germline): Uncertain significance (1 of 4 stars; one submission).

Submission:

Dasa
Classification: Uncertain significance. Last evaluated: 2025-03-18. Review status: criteria provided, single submitter. Criteria: DASA Assertion Criteria. Collection method: clinical testing. Allele origin: germline.
Comment: NM_003924.4(PHOX2B):c.738_740dup (p.Ala260dup) is an in-frame duplication predicted to duplicate alanine at protein position 260 without shifting the reading frame. This variant is absent from population databases. The currently available literature and clinical evidence are not sufficient to establish a definitive association between this variant and the reported condition. Therefore, this variant is classified as a variant of uncertain significance.

NM_003924.4(PHOX2B):c.732GGC[4] (p.Ala260_Gly261insAla)

Genes: PHOX2B (paired like homeobox 2B; minus strand), LOC110011216 (paired like homeobox 2b polyalanine repeat instability region; plus strand). Cytogenetic location: 4p13.
Variant type: Microsatellite.
Coding change: c.732GGC[4] on transcript NM_003924.4 (MANE Select); four copies in a row of the 3-base unit GGC starting at c.732; the reference has three copies in a row; one copy, 3 bases duplicated; also written c.738_740dup.
Protein change: p.Ala260_Gly261insAla.
Molecular consequence: inframe insertion.
Genome position (GRCh38, 1-based): chr4:41,746,012-41,746,014, GCC duplicated on the plus strand (GGC on the coding strand, the reverse complement: PHOX2B is on the minus strand); duplicating any 3 consecutive bases within chr4:41,746,012-41,746,022 gives the same sequence; the position shown is the placement nearest the transcript's 3' end. VCF-style (leftmost placement, unchanged base first): chr4-41746011-G-GGCC. GRCh37 (hg19) VCF-style: chr4-41748028-G-GGCC.
Other names: c.738_740dup (NM_003924.4).
Identifiers: ClinVar variation 4884000 (VCV004884000.2).